The following is an entry in ClinVar:

ClinVar aggregate classification (germline): Conflicting classifications of pathogenicity. Review status: criteria provided, conflicting classifications (1 of 4 stars). 5 submissions from 5 submitters: Uncertain significance (1); Likely benign (3). 1 of the submissions does not count toward it. Last evaluated 2026-04-28.

Conditions:
PKD1-related disorder. Also called: PKD1-related condition.
Polycystic kidney disease. Also called: Kidney, Polycystic; Polycystic kidney dysplasia. Identifiers: MedGen C0022680, MeSH D007690, MONDO:0020642, HP:0000113.
Inborn genetic diseases. Identifiers: MedGen C0950123, MeSH D030342.
Polycystic kidney disease, adult type (PKD1). Also called: Polycystic Kidney, Autosomal Dominant; POLYCYSTIC KIDNEY DISEASE, ADULT, TYPE I; Polycystic Kidney Disease 1, Autosomal Dominant; Polycystic kidney disease 1; Polycystic kidney disease 1, severe; POLYCYSTIC KIDNEY DISEASE 1 WITH OR WITHOUT POLYCYSTIC LIVER DISEASE. Identifiers: MedGen C3149841, MONDO:0008263, OMIM 173900.

Allele frequency attached by ClinVar (database versions not stated): ESP Exome Variant Server 0.00015; gnomAD 0.00020 and 0.00027; ExAC 0.00022; TOPMed 0.00029; gnomAD exomes 0.00031 and 0.00033; 1000 Genomes Project 30x 0.00078; 1000 Genomes Project 0.00100.
gnomAD v4.1: 505 of 1,611,284 alleles (0.031%); highest among the groups gnomAD compares: East Asian, 0.51%; 2 homozygotes.

Submissions (5):

PreventionGenetics, part of Exact Sciences
Classification: Likely benign for PKD1-related condition. Last evaluated: 2026-04-28. Review status: criteria provided, single submitter. Criteria: ACMG Guidelines, 2015. Collection method: clinical testing. Allele origin: germline.
Comment: This variant is classified as likely benign based on ACMG/AMP sequence variant interpretation guidelines (Richards et al. 2015 PMID: 25741868, with internal and published modifications).

CeGaT Center for Human Genetics Tuebingen
Classification: Likely benign. Last evaluated: 2024-01-01. Review status: criteria provided, single submitter. Criteria: CeGaT Center For Human Genetics Tuebingen Variant Classification Criteria Version 2. Collection method: clinical testing. Allele origin: germline. Affected: yes. Observed: 1 variant allele.
Comment: PKD1: BS1

Ambry Genetics
Classification: Uncertain significance for Inborn genetic diseases. Last evaluated: 2023-10-03. Review status: criteria provided, single submitter. Criteria: Ambry Variant Classification Scheme 2023. Collection method: clinical testing. Allele origin: germline.

Victorian Clinical Genetics Services, Murdoch Childrens Research Institute
Classification: Likely benign for Polycystic kidney disease, adult type. Last evaluated: 2023-07-17. Review status: criteria provided, single submitter. Criteria: ACMG Guidelines, 2015. Collection method: clinical testing. Allele origin: germline. Inheritance: Autosomal dominant inheritance.
Comment: Based on the classification scheme VCGS_Germline_v1.3.4, this variant is classified as Likely benign. Following criteria are met: 0102 - Loss of function is a known mechanism of disease in this gene and is associated with polycystic kidney disease 1 (MIM#173900). (I) 0107 - This gene is associated with autosomal dominant disease. Polycystic kidney disease 1 is predominantly caused by monoallelic variants, with rare reports of biallelic variants causing disease (OMIM).(I) 0200 - Variant is predicted to result in a missense amino acid change from arginine to glutamine. (I) 0251 - This variant is heterozygous. (I) 0304 - Variant is present in gnomAD <0.01 (v2: 90 heterozygotes, 0 homozygotes). (SP) 0309 - An alternative amino acid change at the same position has been observed in gnomAD (v3) (p.(Arg3183Gly): 1 heterozygote, 0 homozygotes). (I) 0502 - Missense variant with conflicting in silico predictions and uninformative conservation. (I) 0600 - Variant is located in the annotated PLAT/LH2 domain (NCBI conserved domain). (I) 0705 - No comparable missense variants have previous evidence for pathogenicity. (I) 0808 - Previous reports of pathogenicity for this variant are conflicting. While this variant has been reported in individuals with autosomal dominant polycystic kidney or liver disease who also carried a second PKD1 variant (PMIDs: 22383692, 26139440, 33569422) it has also been classified as a likely benign, VUS or polymorphic variant (ClinVar, PKD mutation database, PMIDs: 22185115, 27165007, 27835667). (I) 0906 - Segregation evidence for this variant is inconclusive. There is insufficient information to determine the segregation of this variant with disease; however a review by Cornec-Le Gall et al. (2018) suggests this variant is an ultra-low penetrant/hypomorphic allele (PMID: 26139440; 29038287). (I) 1007 - No published functional evidence has been identified for this variant. (I) 1208 - Inheritance information for this variant is not currently available in this individual. (I) Legend: (SP) - Supporting pathogenic, (I) - Information, (SB) - Supporting benign

Department of Pathology and Laboratory Medicine, Sinai Health System
Classification: Uncertain significance for Polycystic Kidney disease. Review status: no assertion criteria provided. Collection method: clinical testing. Allele origin: unknown. Affected: yes. Study: The Canadian Open Genetics Repository (COGR). Not counted in ClinVar's aggregate classification.
Comment: The PKD1 p.Arg3183Gln variant was identified in 3 of 622 proband chromosomes (frequency: 0.005) from individuals or families with ADPKD and was present in 1 of 200 control chromosomes (Audrezet 2015, Jin 2016, Yu 2011). The variant was also identified in dbSNP (ID: rs79648977) and ADPKD Mutation Database (as likely neutral). The variant was not identified in ClinVar, LOVD 3.0, or PKD1-LOVD databases. The variant was identified in control databases in 82 of 276250 chromosomes at a frequency of 0.0003 (Genome Aggregation Database Feb 27, 2017). The variant was observed in the following populations: Other in 1 of 6442 chromosomes (freq: 0.0002), European in 17 of 125874 chromosomes (freq: 0.0001), and East Asian in 64 of 18858 chromosomes (freq: 0.003), but was not observed in the African, Latino, Ashkenazi Jewish, Finnish, or South Asian populations. In addition, we cannot be certain that data from control databases is specific to PKD1 and not from one of the six PKD1 pseudogenes. The variant was identified with a co-occurring pathogenic PKD1 variant (c.11614G>T, p.Glu3872*), increasing the likelihood that the p.Arg3183Gln variant does not have clinical significance (Audrezet 2015). The p.Arg3183 residue is conserved in mammals and computational analyses (PolyPhen-2, SIFT, AlignGVGD, BLOSUM, MutationTaster) provide inconsistent predictions regarding the impact to the protein; this information is not very predictive of pathogenicity. The variant occurs outside of the splicing consensus sequence and in silico or computational prediction software programs (SpliceSiteFinder, MaxEntScan, NNSPLICE, GeneSplicer) do not predict a difference in splicing. In summary, based on the above information, the clinical significance of this variant cannot be determined with certainty at this time. This variant is classified as a variant of uncertain significance.

Literature cited by the submitters: PubMed 22185115 (cited by Ambry Genetics and Victorian Clinical Genetics Services, Murdoch Childrens Research Institute); PubMed 22383692 (cited by Ambry Genetics and Victorian Clinical Genetics Services, Murdoch Childrens Research Institute); PubMed 26139440 (cited by Ambry Genetics and Victorian Clinical Genetics Services, Murdoch Childrens Research Institute); PubMed 26632257 (cited by Ambry Genetics); PubMed 27165007 (cited by Ambry Genetics and Victorian Clinical Genetics Services, Murdoch Childrens Research Institute); PubMed 27782177 (cited by Ambry Genetics); PubMed 27835667 (cited by Ambry Genetics and Victorian Clinical Genetics Services, Murdoch Childrens Research Institute); PubMed 33569422 (cited by Ambry Genetics and Victorian Clinical Genetics Services, Murdoch Childrens Research Institute); PubMed 29038287 (cited by Victorian Clinical Genetics Services, Murdoch Childrens Research Institute).

NM_001009944.3(PKD1):c.9548G>A (p.Arg3183Gln)

Gene: PKD1 (polycystin 1, transient receptor potential channel interacting; minus strand). Cytogenetic location: 16p13.3.
Variant type: single nucleotide variant.
Coding change: c.9548G>A on transcript NM_001009944.3 (MANE Select); coding-DNA position 9548, G replaced by A.
Protein change: p.Arg3183Gln; replaces arginine 3183 with glutamine.
Molecular consequence: missense variant.
Genome position (GRCh38, 1-based): chr16:2,100,416, C>T on the plus strand (G>A on the coding strand, the complement: PKD1 is on the minus strand). VCF-style: chr16-2100416-C-T. GRCh37 (hg19) VCF-style: chr16-2150417-C-T.
Other names: c.9548G>A (NM_000296.3, NM_001009944.2); c.9548G>A, p.Arg3183Gln (NM_000296.4); short protein forms R3183Q.
Identifiers: ClinVar variation 997144 (VCV000997144.26), dbSNP rs79648977, ClinGen allele CA7830052.